The following is an entry in ClinVar:

ClinVar aggregate classification (germline): Uncertain significance. Review status: criteria provided, multiple submitters, no conflicts (2 of 4 stars). 2 submissions from 2 submitters: Uncertain significance (2). Last evaluated 2021-12-01.

Conditions:
Nephrolithiasis/nephrocalcinosis. Identifiers: MedGen CN580796.
Familial hypocalciuric hypercalcemia 1. Also called: Hypercalcemia, familial benign type 1. Identifiers: Orphanet 405, Orphanet 93372, MedGen C0342637, MONDO:0007791, OMIM 145980.
Autosomal dominant hypocalcemia 1 (HYPOC1). Also called: HYPOCALCEMIA, FAMILIAL. Identifiers: MedGen C3715128, MONDO:0011013, OMIM 601198.

Allele frequency attached by ClinVar (database versions not stated): gnomAD exomes below 0.00001.
gnomAD v4.1: 1 of 1,614,190 alleles (0.000062%); highest among the groups gnomAD compares: South Asian, 0.0011%; no homozygotes.

Submissions (2):

Ambry Genetics
Classification: Uncertain significance for Nephrolithiasis/nephrocalcinosis. Last evaluated: 2021-12-01. Review status: criteria provided, single submitter. Criteria: Ambry Variant Classification Scheme 2023. Collection method: clinical testing. Allele origin: germline.
Comment: The p.P960S variant (also known as c.2878C>T), located in coding exon 6 of the CASR gene, results from a C to T substitution at nucleotide position 2878. The proline at codon 960 is replaced by serine, an amino acid with similar properties. This amino acid position is conserved. In addition, this alteration is predicted to be tolerated by in silico analysis. Since supporting evidence is limited at this time, the clinical significance of this alteration remains unclear.

Labcorp Genetics (formerly Invitae), Labcorp
Classification: Uncertain significance for Familial hypocalciuric hypercalcemia; Autosomal dominant hypocalcemia 1. Last evaluated: 2017-11-06. Review status: criteria provided, single submitter. Criteria: Invitae Variant Classification Sherloc (09022015). Collection method: clinical testing. Allele origin: germline.
Comment: This sequence change replaces proline with serine at codon 960 of the CASR protein (p.Pro960Ser). The proline residue is moderately conserved and there is a moderate physicochemical difference between proline and serine. This variant is not present in population databases (ExAC no frequency). This variant has not been reported in the literature in individuals with CASR-related disease. Algorithms developed to predict the effect of missense changes on protein structure and function (SIFT, PolyPhen-2, Align-GVGD) all suggest that this variant is likely to be tolerated, but these predictions have not been confirmed by published functional studies and their clinical significance is uncertain. In summary, the available evidence is currently insufficient to determine the role of this variant in disease. Therefore, it has been classified as a Variant of Uncertain Significance.

NM_000388.4(CASR):c.2878C>T (p.Pro960Ser)

Gene: CASR (calcium sensing receptor; plus strand). Cytogenetic location: 3q21.1.
Variant type: single nucleotide variant.
Coding change: c.2878C>T on transcript NM_000388.4 (MANE Select); coding-DNA position 2878, C replaced by T.
Protein change: p.Pro960Ser; replaces proline 960 with serine.
Molecular consequence: missense variant.
Genome position (GRCh38, 1-based): chr3:122,284,832, C>T. VCF-style: chr3-122284832-C-T. GRCh37 (hg19) VCF-style: chr3-122003679-C-T.
Other names: c.2908C>T, p.Pro970Ser (NM_001178065.2); short protein forms P960S, P970S.
Identifiers: ClinVar variation 532612 (VCV000532612.3), dbSNP rs1352202616, ClinGen allele CA354160967.